The following is an entry in ClinVar:

NM_014727.3(KMT2B):c.5435C>T (p.Ser1812Leu)

Gene: KMT2B (lysine methyltransferase 2B; plus strand). Cytogenetic location: 19q13.12.
Variant type: single nucleotide variant.
Coding change: c.5435C>T on transcript NM_014727.3 (MANE Select); coding-DNA position 5435, C replaced by T.
Protein change: p.Ser1812Leu; replaces serine 1812 with leucine.
Molecular consequence: missense variant.
Genome position (GRCh38, 1-based): chr19:35,730,865, C>T. VCF-style: chr19-35730865-C-T. GRCh37 (hg19) VCF-style: chr19-36221766-C-T.
Other names: c.5435C>T (NM_014727.1); short protein forms S1812L.
Identifiers: ClinVar variation 1188393 (VCV001188393.33), dbSNP rs200571590, ClinGen allele CA9385396.

ClinVar aggregate classification (germline): Uncertain significance. Review status: criteria provided, multiple submitters, no conflicts (2 of 4 stars). 4 submissions from 4 submitters: Uncertain significance (4). Last evaluated 2025-10-02.

Conditions:
Inborn genetic diseases. Identifiers: MedGen C0950123, MeSH D030342.

Allele frequency attached by ClinVar (database versions not stated): gnomAD exomes below 0.00001 and 0.00001; ExAC 0.00001; gnomAD 0.00001; TOPMed 0.00001.

Submissions (4):

Labcorp Genetics (formerly Invitae), Labcorp
Classification: Uncertain significance. Last evaluated: 2025-10-02. Review status: criteria provided, single submitter. Criteria: Invitae Variant Classification Sherloc (09022015). Collection method: clinical testing. Allele origin: germline.
Comment: This sequence change replaces serine, which is neutral and polar, with leucine, which is neutral and non-polar, at codon 1812 of the KMT2B protein (p.Ser1812Leu). The frequency data for this variant in the population databases is considered unreliable, as metrics indicate poor data quality at this position in the gnomAD database. This variant has not been reported in the literature in individuals affected with KMT2B-related conditions. ClinVar contains an entry for this variant (Variation ID: 1188393). An algorithm developed to predict the effect of missense changes on protein structure and function outputs the following: PolyPhen-2: "Not Available". The leucine amino acid residue is found in multiple mammalian species, which suggests that this missense change does not adversely affect protein function. Algorithms developed to predict the effect of sequence changes on RNA splicing suggest that this variant may disrupt the consensus splice site. In summary, the available evidence is currently insufficient to determine the role of this variant in disease. Therefore, it has been classified as a Variant of Uncertain Significance.

Ambry Genetics
Classification: Uncertain significance for Inborn genetic diseases. Last evaluated: 2023-05-30. Review status: criteria provided, single submitter. Criteria: Ambry Variant Classification Scheme 2023. Collection method: clinical testing. Allele origin: germline.

CeGaT Center for Human Genetics Tuebingen
Classification: Uncertain significance. Last evaluated: 2022-03-01. Review status: criteria provided, single submitter. Criteria: CeGaT Center For Human Genetics Tuebingen Variant Classification Criteria Version 2. Collection method: clinical testing. Allele origin: germline. Affected: yes. Observed: 1 variant allele.

GeneDx
Classification: Uncertain significance. Last evaluated: 2020-03-27. Review status: criteria provided, single submitter. Criteria: GeneDx Variant Classification Process June 2021. Collection method: clinical testing. Allele origin: germline. Affected: yes.
Comment: Not observed at a significant frequency in large population cohorts (Lek et al., 2016); In silico analysis supports that this missense variant does not alter protein structure/function; Has not been previously published as pathogenic or benign to our knowledge; In-silico analysis, which includes splice predictors and evolutionary conservation, is inconclusive as to whether the variant alters gene splicing. In the absence of RNA/functional studies, the actual effect of this sequence change is unknown.